The following is an entry in ClinVar:

ClinVar aggregate classification (germline): Uncertain significance (1 of 4 stars; one submission).

Conditions:
Developmental and epileptic encephalopathy, 32 (DEE32). Also called: Epileptic encephalopathy, early infantile, 32. Identifiers: Orphanet 442835, MedGen C4225350, MONDO:0014607, OMIM 616366.

Submission:

Labcorp Genetics (formerly Invitae), Labcorp
Classification: Uncertain significance for Developmental and epileptic encephalopathy, 32. Last evaluated: 2020-03-05. Review status: criteria provided, single submitter. Criteria: Invitae Variant Classification Sherloc (09022015). Collection method: clinical testing. Allele origin: germline.
Comment: This variant is not present in population databases (ExAC no frequency). This sequence change replaces leucine with phenylalanine at codon 321 of the KCNA2 protein (p.Leu321Phe). The leucine residue is highly conserved and there is a small physicochemical difference between leucine and phenylalanine. This variant has not been reported in the literature in individuals with KCNA2-related disease. Experimental studies have shown that this missense change results in a protein that has similar electrophysiological properties to the wildtype protein (PMID: 26599217, 28204960). In summary, the available evidence is currently insufficient to determine the role of this variant in disease. Therefore, it has been classified as a Variant of Uncertain Significance.

Literature cited by the submitters: PubMed 26599217; PubMed 28204960.

NM_004974.4(KCNA2):c.961C>T (p.Leu321Phe)

Gene: KCNA2 (potassium voltage-gated channel subfamily A member 2; minus strand). Cytogenetic location: 1p13.3.
Variant type: single nucleotide variant.
Coding change: c.961C>T on transcript NM_004974.4 (MANE Select); coding-DNA position 961, C replaced by T.
Protein change: p.Leu321Phe; replaces leucine 321 with phenylalanine.
Molecular consequence: missense variant. On other transcripts: intron variant (1).
Genome position (GRCh38, 1-based): chr1:110,603,822, G>A on the plus strand (C>T on the coding strand, the complement: KCNA2 is on the minus strand). VCF-style: chr1-110603822-G-A. GRCh37 (hg19) VCF-style: chr1-111146444-G-A.
Other names: c.894+67C>T (NM_001204269.2); short protein forms L321F.
Identifiers: ClinVar variation 583343 (VCV000583343.9), dbSNP rs1557732226, ClinGen allele CA341602598.